The following is an entry in ClinVar:

ClinVar aggregate classification (germline): Benign. Review status: criteria provided, multiple submitters, no conflicts (2 of 4 stars). 3 submissions from 3 submitters: Benign (3). Last evaluated 2024-07-15.

Allele frequency attached by ClinVar (database versions not stated): 1000 Genomes Project 30x 0.91162; TOPMed 0.91268; 1000 Genomes Project 0.91454; gnomAD 0.91499 and 0.91866; gnomAD exomes 0.95774.
gnomAD v4.1: 536,886 of 567,132 alleles (95%); highest among the groups gnomAD compares: East Asian, 100%; 254,868 homozygotes.

Submissions (3):

Unidad de Genómica Garrahan, Hospital de Pediatría Garrahan
Classification: Benign. Last evaluated: 2024-07-15. Review status: criteria provided, single submitter. Criteria: ACMG Guidelines, 2015. Collection method: clinical testing. Allele origin: germline. Affected: no. Observed: 37 variant alleles.
Comment: This variant is classified as Benign based on local population frequency. This variant was detected in 40% of patients studied in a panel designed for Epileptic and Developmental Encephalopathy and Progressive Myoclonus Epilepsy. Number of patients: 37. Only high quality variants are reported.

GeneDx
Classification: Benign. Last evaluated: 2020-11-20. Review status: criteria provided, single submitter. Criteria: GeneDx Variant Classification Process June 2021. Collection method: clinical testing. Allele origin: germline. Affected: yes.

Breakthrough Genomics
Classification: Benign. Review status: criteria provided, single submitter. Criteria: ACMG Guidelines, 2015. Collection method: not provided. Allele origin: germline. Inheritance: Autosomal recessive inheritance. Affected: yes.

NM_015192.4(PLCB1):c.2710+140C>T

Gene: PLCB1 (phospholipase C beta 1; plus strand). Cytogenetic location: 20p12.3.
Variant type: single nucleotide variant.
Coding change: c.2710+140C>T on transcript NM_015192.4 (MANE Select); 140 bases into the intron after coding-DNA position 2710, C replaced by T.
Molecular consequence: intron variant.
Genome position (GRCh38, 1-based): chr20:8,760,600, C>T. VCF-style: chr20-8760600-C-T. GRCh37 (hg19) VCF-style: chr20-8741247-C-T.
Other names: c.2710+140C>T (NM_182734.3).
Identifiers: ClinVar variation 1236530 (VCV001236530.6), dbSNP rs3886935, ClinGen allele CA311259543.
Genomic context (GRCh38, chr20:8,760,600, plus strand): 5'-CATTCATATCTGAAAAACAACATCATTAATATTTCTTCTTCTAAAAAATCTAGAGACATA[C>T]ACTTTTAGTTTAGTCTACATGATATGATATAATCACAGAGAAGTAACCATACTTTGTAGC-3'